The following is an entry in ClinVar:

ClinVar aggregate classification (germline): Uncertain significance (0 of 4 stars; one submission).

Conditions:
alpha Thalassemia. Also called: Alpha thalassemia spectrum. Identifiers: Orphanet 846, MedGen C0002312, MONDO:0011399, OMIM 604131.

Submission:

MVZ Dr. Eberhard & Partner Dortmund
Classification: Uncertain significance for alpha Thalassemia. Review status: no assertion criteria provided. Collection method: clinical testing. Allele origin: unknown.
Comment: This variant has not yet been described in variant databases or literature and is not found in control groups of different ethnic groups. 5 "ncR -249C>G is located in a binding site for the transcription factor Sp1 (Specificity protein factor 1) in the proximal promoter region.2 Therefore, it cannot be ruled out that 5'ncR -249C>G has an influence on protein expression.

NM_000558.4(HBA1):c.-286C>G

Genes: HBA1 (hemoglobin subunit alpha 1; plus strand), LOC106804613 (hemoglobin subunit alpha 1 recombination region; plus strand). Cytogenetic location: 16p13.3.
Variant type: single nucleotide variant.
Coding change: c.-286C>G on transcript NM_000558.4; 286 bases upstream of the start codon, C replaced by G.
Genome position (GRCh38, 1-based): chr16:176,431, C>G. VCF-style: chr16-176431-C-G. GRCh37 (hg19) VCF-style: chr16-226430-C-G.
Identifiers: ClinVar variation 3061801 (VCV003061801.2), dbSNP rs2505436026, ClinGen allele CA2740096799.
Genomic context (GRCh38, chr16:176,431, plus strand): 5'-TCCGGGGTGCACGAGCCGACAGCGCCCGACCCCAACGGGCCGGCCCCGCCAGCGCCGCTA[C>G]CGCCCTGCCCCCGGGCGAGCGGGATGGGCGGGAGTGGAGTGGCGGGTGGAGGGTGGAGAC-3'